The following is an entry in ClinVar:

ClinVar aggregate classification (germline): Pathogenic/Likely pathogenic. Review status: criteria provided, multiple submitters, no conflicts (2 of 4 stars). 7 submissions from 7 submitters: Pathogenic (5); Likely pathogenic (2). Last evaluated 2025-02-23.

Conditions:
PIGN-related disorder. Also called: PIGN-related condition.
Multiple congenital anomalies-hypotonia-seizures syndrome 1 (MCAHS1). Also called: PIGN-CDG; Congenital disorder of glycosylation due to PIGN deficiency; GLYCOSYLPHOSPHATIDYLINOSITOL BIOSYNTHESIS DEFECT 3. Identifiers: Orphanet 280633, MedGen C3279775, MONDO:0013563, OMIM 614080.

Allele frequency attached by ClinVar (database versions not stated): ESP Exome Variant Server 0.00008.
gnomAD v4.1: 39 of 1,603,330 alleles (0.0024%); highest among the groups gnomAD compares: East Asian, 0.025%; no homozygotes.

Submissions (7):

GeneDx
Classification: Likely pathogenic. Last evaluated: 2025-02-23. Review status: criteria provided, single submitter. Criteria: GeneDx Variant Classification Process June 2021. Collection method: clinical testing. Allele origin: germline. Affected: yes.
Comment: Nonsense variant predicted to result in protein truncation or nonsense mediated decay in a gene for which loss of function is a known mechanism of disease; This variant is associated with the following publications: (PMID: 35179230, 31440721, 30476936, 33502061, 34671977, 36322149, 27038415, 24253414, 38693247, 39924787)

Labcorp Genetics (formerly Invitae), Labcorp
Classification: Pathogenic for Multiple congenital anomalies-hypotonia-seizures syndrome 1. Last evaluated: 2025-01-13. Review status: criteria provided, single submitter. Criteria: Invitae Variant Classification Sherloc (09022015). Collection method: clinical testing. Allele origin: germline.
Comment: This sequence change creates a premature translational stop signal (p.Arg587*) in the PIGN gene. It is expected to result in an absent or disrupted protein product. Loss-of-function variants in PIGN are known to be pathogenic (PMID: 24253414, 27038415). This variant is present in population databases (rs376226764, gnomAD 0.02%). This variant has not been reported in the literature in individuals affected with PIGN-related conditions. ClinVar contains an entry for this variant (Variation ID: 581123). For these reasons, this variant has been classified as Pathogenic.

PreventionGenetics, part of Exact Sciences
Classification: Pathogenic for PIGN-related condition. Last evaluated: 2024-10-29. Review status: criteria provided, single submitter. Criteria: ACMG Guidelines, 2015. Collection method: clinical testing. Allele origin: germline.
Comment: The PIGN c.1759C>T variant is predicted to result in premature protein termination (p.Arg587*). This variant has been reported with another PIGN variant in at least two individuals with multiple congenital anomalies and epilepsy (Table S2, Wang et al. 2021. PubMed ID: 33502061; Bayat et al. 2022. PubMed ID: 35179230). This variant is reported in 0.023% of alleles in individuals of East Asian descent in gnomAD. Nonsense variants in PIGN are expected to be pathogenic. This variant is interpreted as pathogenic.

Fulgent Genetics
Classification: Pathogenic for Multiple congenital anomalies-hypotonia-seizures syndrome 1. Last evaluated: 2024-05-24. Review status: criteria provided, single submitter. Criteria: ACMG Guidelines, 2015. Collection method: clinical testing. Allele origin: germline.

CeGaT Center for Human Genetics Tuebingen
Classification: Pathogenic. Last evaluated: 2022-08-01. Review status: criteria provided, single submitter. Criteria: CeGaT Center For Human Genetics Tuebingen Variant Classification Criteria Version 2. Collection method: clinical testing. Allele origin: germline. Affected: yes. Observed: 1 variant allele.
Comment: PIGN: PVS1, PM2, PM3

Baylor Genetics
Classification: Likely pathogenic for Multiple congenital anomalies-hypotonia-seizures syndrome 1. Last evaluated: 2019-09-19. Review status: criteria provided, single submitter. Criteria: ACMG Guidelines, 2015. Collection method: clinical testing. Allele origin: unknown. Affected: yes.
Comment: This variant was determined to be likely pathogenic according to ACMG Guidelines, 2015 [PMID:25741868].

Juno Genomics, Hangzhou Juno Genomics, Inc
Classification: Pathogenic for Multiple congenital anomalies-hypotonia-seizures syndrome 1. Review status: criteria provided, single submitter. Criteria: ACMG Guidelines, 2015. Collection method: clinical testing. Allele origin: germline.
Comment: Absent from controls (or at extremely low frequency if recessive) in Genome Aggregation Database.;Null variant in a gene where loss of function (LOF) is a known mechanism of disease.;For recessive disorders, detected in trans with a pathogenic variant.;Patient's phenotype or family history is highly specific for a disease with a single genetic etiology.

Literature cited by the submitters: PubMed 24253414 (cited by Labcorp Genetics (formerly Invitae), Labcorp); PubMed 27038415 (cited by Labcorp Genetics (formerly Invitae), Labcorp).

NM_176787.5(PIGN):c.1759C>T (p.Arg587Ter)

Gene: PIGN (phosphatidylinositol glycan anchor biosynthesis class N; minus strand). Cytogenetic location: 18q21.33.
Variant type: single nucleotide variant.
Coding change: c.1759C>T on transcript NM_176787.5 (MANE Select); coding-DNA position 1759, C replaced by T.
Protein change: p.Arg587Ter; replaces arginine 587 with a stop codon.
Molecular consequence: nonsense.
Genome position (GRCh38, 1-based): chr18:62,106,797, G>A on the plus strand (C>T on the coding strand, the complement: PIGN is on the minus strand). VCF-style: chr18-62106797-G-A. GRCh37 (hg19) VCF-style: chr18-59774030-G-A.
Other names: c.1759C>T, p.Arg587Ter (NM_012327.6); short protein forms R587*.
Identifiers: ClinVar variation 581123 (VCV000581123.48), dbSNP rs376226764, ClinGen allele CA8982185.